The following is an entry in ClinVar:

ClinVar aggregate classification (germline): Likely benign. Review status: criteria provided, multiple submitters, no conflicts (2 of 4 stars). 3 submissions from 3 submitters: Likely benign (3). Last evaluated 2025-08-21.

Conditions:
NYX-related disorder. Also called: NYX-related condition.

Allele frequency attached by ClinVar (database versions not stated): gnomAD exomes 0.00003; gnomAD 0.00007 and 0.00009; ExAC 0.00008; TOPMed 0.00014.

Submissions (3):

Labcorp Genetics (formerly Invitae), Labcorp
Classification: Likely benign. Last evaluated: 2025-08-21. Review status: criteria provided, single submitter. Criteria: Invitae Variant Classification Sherloc (09022015). Collection method: clinical testing. Allele origin: germline.

PreventionGenetics, part of Exact Sciences
Classification: Likely benign for NYX-related condition. Last evaluated: 2025-06-16. Review status: criteria provided, single submitter. Criteria: ACMG Guidelines, 2015. Collection method: clinical testing. Allele origin: germline.
Comment: This variant is classified as likely benign based on ACMG/AMP sequence variant interpretation guidelines (Richards et al. 2015 PMID: 25741868, with internal and published modifications).

Blueprint Genetics
Classification: Likely benign. Last evaluated: 2024-07-24. Review status: criteria provided, single submitter. Criteria: ACMG Guidelines, 2015. Collection method: clinical testing. Allele origin: germline.

NM_001378477.3(NYX):c.309C>T (p.Gly103=)

Gene: NYX (nyctalopin; plus strand). Cytogenetic location: Xp11.4.
Variant type: single nucleotide variant.
Coding change: c.309C>T on transcript NM_001378477.3 (MANE Select); coding-DNA position 309, C replaced by T.
Protein change: p.Gly103=; no amino-acid change (glycine 103 retained).
Molecular consequence: synonymous variant.
Genome position (GRCh38, 1-based): chrX:41,473,777, C>T. VCF-style: chrX-41473777-C-T. GRCh37 (hg19) VCF-style: chrX-41333030-C-T.
Other names: c.309C>T, p.Gly103= (NM_022567.3); c.324C>T (NM_022567.2).
Identifiers: ClinVar variation 1027123 (VCV001027123.8), dbSNP rs773711712, ClinGen allele CA10389799.
Genomic context (GRCh38, chrX:41,473,777, plus strand): 5'-GCGCCGCCTGTCGCTGCGCCACAACAACCTGTCCTTCATCACGCCCGGCGCCTTCAAGGG[C>T]CTGCCGCGCCTGGCTGAGCTGCGCCTGGCGCACAACGGCGACCTGCGCTACCTGCACGCG-3'
Protein context (NP_001365406.2, residues 93-113): LSFITPGAFK[Gly103=]LPRLAELRLA